The following is an entry in ClinVar:

NM_021008.4(DEAF1):c.286G>T (p.Ala96Ser)

Gene: DEAF1 (DEAF1 transcription factor; minus strand). Cytogenetic location: 11p15.5.
Variant type: single nucleotide variant.
Coding change: c.286G>T on transcript NM_021008.4 (MANE Select); coding-DNA position 286, G replaced by T.
Protein change: p.Ala96Ser; replaces alanine 96 with serine.
Molecular consequence: missense variant. On other transcripts: 5 prime UTR variant (3), intron variant (1).
Genome position (GRCh38, 1-based): chr11:694,762, C>A on the plus strand (G>T on the coding strand, the complement: DEAF1 is on the minus strand). VCF-style: chr11-694762-C-A. GRCh37 (hg19) VCF-style: chr11-694762-C-A.
Other names: c.286G>T, p.Ala96Ser (NM_001293634.2, NM_001440883.1, NM_001440884.1); c.-311G>T (NM_001440885.1); c.-1711G>T (NM_001440886.1); c.-521G>T (NM_001440887.1); c.-437-3164G>T (NM_001367390.1); short protein forms A96S.
Identifiers: ClinVar variation 4768002 (VCV004768002.1).

ClinVar aggregate classification (germline): Uncertain significance (1 of 4 stars; one submission).

gnomAD v4.1: 2 of 1,301,166 alleles (0.00015%); highest among the groups gnomAD compares: Non-Finnish European, 0.00019%; no homozygotes.

Submission:

Labcorp Genetics (formerly Invitae), Labcorp
Classification: Uncertain significance. Last evaluated: 2025-10-01. Review status: criteria provided, single submitter. Criteria: Invitae Variant Classification Sherloc (09022015). Collection method: clinical testing. Allele origin: germline.
Comment: This sequence change replaces alanine, which is neutral and non-polar, with serine, which is neutral and polar, at codon 96 of the DEAF1 protein (p.Ala96Ser). This variant is not present in population databases (gnomAD no frequency). This variant has not been reported in the literature in individuals affected with DEAF1-related conditions. Invitae Evidence Modeling of protein sequence and biophysical properties (such as structural, functional, and spatial information, amino acid conservation, physicochemical variation, residue mobility, and thermodynamic stability) has been performed for this missense variant. However, the output from this modeling did not meet the statistical confidence thresholds required to predict the impact of this variant on DEAF1 protein function. In summary, the available evidence is currently insufficient to determine the role of this variant in disease. Therefore, it has been classified as a Variant of Uncertain Significance.